The following is an entry in ClinVar:

NM_152564.5(VPS13B):c.4542G>A (p.Leu1514=)

Gene: VPS13B (vacuolar protein sorting 13 homolog B; plus strand). Cytogenetic location: 8q22.2.
Variant type: single nucleotide variant.
Coding change: c.4542G>A on transcript NM_152564.5 (MANE Select); coding-DNA position 4542, G replaced by A.
Protein change: p.Leu1514=; no amino-acid change (leucine 1514 retained).
Molecular consequence: synonymous variant.
Genome position (GRCh38, 1-based): chr8:99,511,421, G>A. VCF-style: chr8-99511421-G-A. GRCh37 (hg19) VCF-style: chr8-100523649-G-A.
Other names: c.4617G>A, p.Leu1539= (NM_017890.5).
Identifiers: ClinVar variation 3047792 (VCV003047792.2), dbSNP rs2490522746, ClinGen allele CA462464189.

ClinVar aggregate classification (germline): Likely benign (0 of 4 stars; one submission).

Conditions:
VPS13B-related disorder. Also called: VPS13B-related condition.

Allele frequency attached by ClinVar (database versions not stated): gnomAD exomes below 0.00001.
gnomAD v4.1: 2 of 1,613,488 alleles (0.00012%); highest among the groups gnomAD compares: Middle Eastern, 0.017%; no homozygotes.

Submission:

PreventionGenetics, part of Exact Sciences
Classification: Likely benign for VPS13B-related condition. Last evaluated: 2019-03-20. Review status: no assertion criteria provided. Collection method: clinical testing. Allele origin: germline.
Comment: This variant is classified as likely benign based on ACMG/AMP sequence variant interpretation guidelines (Richards et al. 2015 PMID: 25741868, with internal and published modifications).